The following is an entry in ClinVar:

NM_000489.6(ATRX):c.2962G>A (p.Gly988Arg)

Gene: ATRX (ATRX chromatin remodeler; minus strand). Cytogenetic location: Xq21.1.
Variant type: single nucleotide variant.
Coding change: c.2962G>A on transcript NM_000489.6 (MANE Select); coding-DNA position 2962, G replaced by A.
Protein change: p.Gly988Arg; replaces glycine 988 with arginine.
Molecular consequence: missense variant.
Genome position (GRCh38, 1-based): chrX:77,682,294, C>T on the plus strand (G>A on the coding strand, the complement: ATRX is on the minus strand). VCF-style: chrX-77682294-C-T. GRCh37 (hg19) VCF-style: chrX-76937786-C-T.
Other names: c.2848G>A, p.Gly950Arg (NM_138270.5); short protein forms G950R, G988R.
Identifiers: ClinVar variation 843392 (VCV000843392.10), dbSNP rs2071254827, ClinGen allele CA413709195.

ClinVar aggregate classification (germline): Uncertain significance (1 of 4 stars; one submission).

Conditions:
Alpha thalassemia-X-linked intellectual disability syndrome (ATRX). Also called: ATR-X syndrome; Alpha thalassemia mental retardation syndrome, nondeletion type, X-linked; XLMR hypotonic face syndrome; ALPHA-THALASSEMIA/IMPAIRED INTELLECTUAL DEVELOPMENT SYNDROME, X-LINKED; ALPHA-THALASSEMIA/MENTAL RETARDATION SYNDROME, X-LINKED; ATR, NONDELETION TYPE. Identifiers: Orphanet 847, MedGen C1845055, MONDO:0010519, OMIM 301040.

Submission:

Labcorp Genetics (formerly Invitae), Labcorp
Classification: Uncertain significance for Alpha thalassemia-X-linked intellectual disability syndrome. Last evaluated: 2022-07-26. Review status: criteria provided, single submitter. Criteria: Invitae Variant Classification Sherloc (09022015). Collection method: clinical testing. Allele origin: germline.
Comment: This variant is not present in population databases (gnomAD no frequency). In summary, the available evidence is currently insufficient to determine the role of this variant in disease. Therefore, it has been classified as a Variant of Uncertain Significance. Advanced modeling of protein sequence and biophysical properties (such as structural, functional, and spatial information, amino acid conservation, physicochemical variation, residue mobility, and thermodynamic stability) performed at Invitae indicates that this missense variant is not expected to disrupt ATRX protein function. ClinVar contains an entry for this variant (Variation ID: 843392). This variant has not been reported in the literature in individuals affected with ATRX-related conditions. This sequence change replaces glycine, which is neutral and non-polar, with arginine, which is basic and polar, at codon 988 of the ATRX protein (p.Gly988Arg).